The following is an entry in ClinVar:

ClinVar aggregate classification (germline): Uncertain significance (1 of 4 stars; one submission).

Conditions:
RASopathy. Also called: rasopathies; Noonan spectrum disorder. Identifiers: Orphanet 536391, MedGen C5555857, MONDO:0021060.

Submission:

Labcorp Genetics (formerly Invitae), Labcorp
Classification: Uncertain significance for RASopathy. Last evaluated: 2025-01-13. Review status: criteria provided, single submitter. Criteria: Invitae Variant Classification Sherloc (09022015). Collection method: clinical testing. Allele origin: germline.
Comment: This sequence change replaces cysteine, which is neutral and slightly polar, with arginine, which is basic and polar, at codon 70 of the CBL protein (p.Cys70Arg). This variant is not present in population databases (gnomAD no frequency). This variant has not been reported in the literature in individuals affected with CBL-related conditions. Invitae Evidence Modeling of protein sequence and biophysical properties (such as structural, functional, and spatial information, amino acid conservation, physicochemical variation, residue mobility, and thermodynamic stability) indicates that this missense variant is expected to disrupt CBL protein function with a positive predictive value of 95%. In summary, the available evidence is currently insufficient to determine the role of this variant in disease. Therefore, it has been classified as a Variant of Uncertain Significance.

NM_005188.4(CBL):c.208T>C (p.Cys70Arg)

Gene: CBL (Cbl proto-oncogene; plus strand). Cytogenetic location: 11q23.3.
Variant type: single nucleotide variant.
Coding change: c.208T>C on transcript NM_005188.4 (MANE Select); coding-DNA position 208, T replaced by C.
Protein change: p.Cys70Arg; replaces cysteine 70 with arginine.
Molecular consequence: missense variant.
Genome position (GRCh38, 1-based): chr11:119,232,460, T>C. VCF-style: chr11-119232460-T-C. GRCh37 (hg19) VCF-style: chr11-119103170-T-C.
Other names: short protein forms C70R.
Identifiers: ClinVar variation 3634372 (VCV003634372.2).